The following is an entry in ClinVar:

NM_001035.3(RYR2):c.3058A>G (p.Ile1020Val)

Gene: RYR2 (ryanodine receptor 2; plus strand). Cytogenetic location: 1q43.
Variant type: single nucleotide variant.
Coding change: c.3058A>G on transcript NM_001035.3 (MANE Select); coding-DNA position 3058, A replaced by G.
Protein change: p.Ile1020Val; replaces isoleucine 1020 with valine.
Molecular consequence: missense variant.
Genome position (GRCh38, 1-based): chr1:237,548,582, A>G. VCF-style: chr1-237548582-A-G. GRCh37 (hg19) VCF-style: chr1-237711882-A-G.
Other names: short protein forms I1020V.
Identifiers: ClinVar variation 2496726 (VCV002496726.4), dbSNP rs1198861647, ClinGen allele CA345393760.
Genomic context (GRCh38, chr1:237,548,582, plus strand): 5'-GCAGAAAATGCACATAATGTGTGGGCGCGGGATCGAATCCGGCAGGGCTGGACTTATGGC[A>G]TCCAACAGGTACATGGGAATTAGCATTTGGTCTGAGACTTACTTAAGTGGGAATTAGCAT-3'
Protein context (NP_001026.2, residues 1010-1030): DRIRQGWTYG[Ile1020Val]QQDVKNRRNP

ClinVar aggregate classification (germline): Uncertain significance. Review status: criteria provided, multiple submitters, no conflicts (2 of 4 stars). 3 submissions from 3 submitters: Uncertain significance (3). Last evaluated 2025-11-25.

Conditions:
Cardiovascular phenotype. Identifiers: MedGen CN230736.
Catecholaminergic polymorphic ventricular tachycardia 1. Also called: VENTRICULAR TACHYCARDIA, CATECHOLAMINERGIC POLYMORPHIC, 1, WITH OR WITHOUT ATRIAL DYSFUNCTION AND/OR DILATED CARDIOMYOPATHY; RYR2-Related Catecholaminergic Polymorphic Ventricular Tachycardia; VENTRICULAR TACHYCARDIA, STRESS-INDUCED POLYMORPHIC 1. Identifiers: Orphanet 3286, MedGen C1631597, MONDO:0011484, OMIM 604772.
Catecholaminergic polymorphic ventricular tachycardia (CVPT). Also called: Catecholamine-induced polymorphic ventricular tachycardia. Identifiers: Orphanet 3286, MedGen C5574922, MONDO:0017990.

Allele frequency attached by ClinVar (database versions not stated): TOPMed 0.00001.

Submissions (3):

Labcorp Genetics (formerly Invitae), Labcorp
Classification: Uncertain significance for Catecholaminergic polymorphic ventricular tachycardia 1. Last evaluated: 2025-11-25. Review status: criteria provided, single submitter. Criteria: Invitae Variant Classification Sherloc (09022015). Collection method: clinical testing. Allele origin: germline.
Comment: This sequence change replaces isoleucine, which is neutral and non-polar, with valine, which is neutral and non-polar, at codon 1020 of the RYR2 protein (p.Ile1020Val). This variant is not present in population databases (gnomAD no frequency). This variant has not been reported in the literature in individuals affected with RYR2-related conditions. ClinVar contains an entry for this variant (Variation ID: 2496726). Invitae Evidence Modeling of protein sequence and biophysical properties (such as structural, functional, and spatial information, amino acid conservation, physicochemical variation, residue mobility, and thermodynamic stability) indicates that this missense variant is not expected to disrupt RYR2 protein function with a negative predictive value of 95%. In summary, the available evidence is currently insufficient to determine the role of this variant in disease. Therefore, it has been classified as a Variant of Uncertain Significance.

All of Us Research Program, National Institutes of Health
Classification: Uncertain significance for Catecholaminergic polymorphic ventricular tachycardia. Last evaluated: 2024-05-14. Review status: criteria provided, single submitter. Criteria: ACMG Guidelines, 2015. Collection method: clinical testing. Allele origin: germline. Inheritance: Autosomal dominant inheritance. Observed: 1 variant allele, 1 heterozygote.
Comment: This missense variant replaces isoleucine with valine at codon 1020 of the RYR2 protein. Computational prediction is inconclusive regarding the impact of this variant on protein structure and function (internally defined REVEL score threshold 0.5 < inconclusive < 0.7, PMID: 27666373). To our knowledge, functional studies have not been reported for this variant. This variant has not been reported in individuals affected with RYR2-related disorders in the literature. This variant has not been identified in the general population by the Genome Aggregation Database (gnomAD). The available evidence is insufficient to determine the role of this variant in disease conclusively. Therefore, this variant is classified as a Variant of Uncertain Significance.

This study involves interpretation of variants in research participants for the purpose of population health screening. Participant phenotype was not available at the time of variant classification. Additional details can be found in publication PMID: 35346344, PMCID: PMC8962531

Ambry Genetics
Classification: Uncertain significance for Cardiovascular phenotype. Last evaluated: 2023-02-21. Review status: criteria provided, single submitter. Criteria: Ambry Variant Classification Scheme 2023. Collection method: clinical testing. Allele origin: germline.
Comment: The p.I1020V variant (also known as c.3058A>G), located in coding exon 26 of the RYR2 gene, results from an A to G substitution at nucleotide position 3058. The isoleucine at codon 1020 is replaced by valine, an amino acid with highly similar properties. This amino acid position is highly conserved in available vertebrate species. In addition, the in silico prediction for this alteration is inconclusive. Since supporting evidence is limited at this time, the clinical significance of this alteration remains unclear.